The following is an entry in ClinVar:

ClinVar aggregate classification (germline): Pathogenic (1 of 4 stars; one submission).

gnomAD v4.1: 1 of 1,197,940 alleles (0.000083%); highest among the groups gnomAD compares: Non-Finnish European, 0.00011%; no homozygotes.

Submission:

GeneDx
Classification: Pathogenic. Last evaluated: 2023-11-27. Review status: criteria provided, single submitter. Criteria: GeneDx Variant Classification Process June 2021. Collection method: clinical testing. Allele origin: germline. Affected: yes.
Comment: Not observed at significant frequency in large population cohorts (gnomAD); In silico analysis supports that this missense variant has a deleterious effect on protein structure/function; Has not been previously published as pathogenic or benign to our knowledge

NM_078629.4(MSL3):c.1373G>A (p.Arg458Gln)

Gene: MSL3 (MSL complex subunit 3; plus strand). Cytogenetic location: Xp22.2.
Variant type: single nucleotide variant.
Coding change: c.1373G>A on transcript NM_078629.4 (MANE Select); coding-DNA position 1373, G replaced by A.
Protein change: p.Arg458Gln; replaces arginine 458 with glutamine.
Molecular consequence: missense variant.
Genome position (GRCh38, 1-based): chrX:11,772,247, G>A. VCF-style: chrX-11772247-G-A. GRCh37 (hg19) VCF-style: chrX-11790366-G-A.
Other names: c.1337G>A, p.Arg446Gln (NM_001193270.2); c.926G>A, p.Arg309Gln (NM_001282174.1); c.875G>A, p.Arg292Gln (NM_006800.4); short protein forms R292Q, R309Q, R446Q, R458Q.
Identifiers: ClinVar variation 3340966 (VCV003340966.1).